The following is an entry in ClinVar:

ClinVar aggregate classification (germline): Uncertain significance (1 of 4 stars; one submission).

Submission:

Ambry Genetics
Classification: Uncertain significance. Last evaluated: 2025-12-20. Review status: criteria provided, single submitter. Criteria: Ambry Variant Classification Scheme 2023. Collection method: clinical testing. Allele origin: germline.
Comment: The p.V205E variant (also known as c.614T>A), located in coding exon 1 of the MC1R gene, results from a T to A substitution at nucleotide position 614. The valine at codon 205 is replaced by glutamic acid, an amino acid with dissimilar properties. This amino acid position is conserved. In addition, this alteration is predicted to be tolerated by in silico analysis. Based on the available evidence, the clinical significance of this variant remains unclear.

NM_002386.4(MC1R):c.614T>A (p.Val205Glu)

Gene: MC1R (melanocortin 1 receptor; plus strand). Cytogenetic location: 16q24.3.
Variant type: single nucleotide variant.
Coding change: c.614T>A on transcript NM_002386.4 (MANE Select); coding-DNA position 614, T replaced by A.
Protein change: p.Val205Glu; replaces valine 205 with glutamic acid.
Molecular consequence: missense variant.
Genome position (GRCh38, 1-based): chr16:89,919,872, T>A. VCF-style: chr16-89919872-T-A. GRCh37 (hg19) VCF-style: chr16-89986280-T-A.
Other names: short protein forms V205E.
Identifiers: ClinVar variation 4842615 (VCV004842615.1).